The following is an entry in ClinVar:

ClinVar aggregate classification (germline): Likely benign. Review status: criteria provided, multiple submitters, no conflicts (2 of 4 stars). 4 submissions from 4 submitters: Likely benign (4). Last evaluated 2025-05-28.

Conditions:
POLE-related disorder. Also called: POLE-related disorders; POLE-related condition.
Hereditary cancer-predisposing syndrome. Also called: Neoplastic Syndromes, Hereditary; Tumor predisposition; Hereditary Cancer Syndrome; Hereditary neoplastic syndrome. Identifiers: Orphanet 140162, MedGen C0027672, MeSH D009386, MONDO:0015356.

Allele frequency attached by ClinVar (database versions not stated): gnomAD exomes 0.00001; TOPMed 0.00001.
gnomAD v4.1: 4 of 1,613,944 alleles (0.00025%); highest among the groups gnomAD compares: African/African-American, 0.0013%; no homozygotes.

Submissions (4):

PreventionGenetics, part of Exact Sciences
Classification: Likely benign for POLE-related condition. Last evaluated: 2025-05-28. Review status: criteria provided, single submitter. Criteria: ACMG Guidelines, 2015. Collection method: clinical testing. Allele origin: germline.
Comment: This variant is classified as likely benign based on ACMG/AMP sequence variant interpretation guidelines (Richards et al. 2015 PMID: 25741868, with internal and published modifications).

Labcorp Genetics (formerly Invitae), Labcorp
Classification: Likely benign. Last evaluated: 2025-02-05. Review status: criteria provided, single submitter. Criteria: Invitae Variant Classification Sherloc (09022015). Collection method: clinical testing. Allele origin: germline.

Ambry Genetics
Classification: Likely benign for Hereditary cancer-predisposing syndrome. Last evaluated: 2018-07-10. Review status: criteria provided, single submitter. Criteria: Ambry Variant Classification Scheme 2023. Collection method: clinical testing. Allele origin: germline.

GeneDx
Classification: Likely benign. Last evaluated: 2015-12-30. Review status: criteria provided, single submitter. Criteria: GeneDx Variant Classification (06012015). Collection method: clinical testing. Allele origin: germline. Affected: yes.
Comment: This variant is considered likely benign or benign based on one or more of the following criteria: it is a conservative change, it occurs at a poorly conserved position in the protein, it is predicted to be benign by multiple in silico algorithms, and/or has population frequency not consistent with disease.

NM_006231.4(POLE):c.6699T>C (p.Pro2233=)

Gene: POLE (DNA polymerase epsilon, catalytic subunit; minus strand). Cytogenetic location: 12q24.33.
Variant type: single nucleotide variant.
Coding change: c.6699T>C on transcript NM_006231.4 (MANE Select); coding-DNA position 6699, T replaced by C.
Protein change: p.Pro2233=; no amino-acid change (proline 2233 retained).
Molecular consequence: synonymous variant.
Genome position (GRCh38, 1-based): chr12:132,624,953, A>G on the plus strand (T>C on the coding strand, the complement: POLE is on the minus strand). VCF-style: chr12-132624953-A-G. GRCh37 (hg19) VCF-style: chr12-133201539-A-G.
Identifiers: ClinVar variation 382651 (VCV000382651.15), dbSNP rs1057521409, ClinGen allele CA16606112.